The following is an entry in ClinVar:

ClinVar aggregate classification (germline): Uncertain significance (1 of 4 stars; one submission).

Conditions:
Charcot-Marie-Tooth disease axonal type 2O. Also called: Charcot-Marie-Tooth disease, axonal, type 20; CHARCOT-MARIE-TOOTH NEUROPATHY, AXONAL, TYPE 2O; CHARCOT-MARIE-TOOTH DISEASE, AXONAL, AUTOSOMAL DOMINANT, TYPE 2O; Charcot-Marie-Tooth Neuropathy Type 2O. Identifiers: Orphanet 284232, MedGen C3280220, MONDO:0013644, OMIM 614228.

Allele frequency attached by ClinVar (database versions not stated): gnomAD exomes below 0.00001.
gnomAD v4.1: 7 of 1,614,112 alleles (0.00043%); highest among the groups gnomAD compares: East Asian, 0.0022%; no homozygotes.

Submission:

Labcorp Genetics (formerly Invitae), Labcorp
Classification: Uncertain significance for Charcot-Marie-Tooth disease axonal type 2O. Last evaluated: 2023-07-13. Review status: criteria provided, single submitter. Criteria: Invitae Variant Classification Sherloc (09022015). Collection method: clinical testing. Allele origin: germline.
Comment: This variant is present in population databases (no rsID available, gnomAD 0.007%). This sequence change replaces alanine, which is neutral and non-polar, with valine, which is neutral and non-polar, at codon 2023 of the DYNC1H1 protein (p.Ala2023Val). This variant has not been reported in the literature in individuals affected with DYNC1H1-related conditions. ClinVar contains an entry for this variant (Variation ID: 1944277). Advanced modeling of protein sequence and biophysical properties (such as structural, functional, and spatial information, amino acid conservation, physicochemical variation, residue mobility, and thermodynamic stability) has been performed at Invitae for this missense variant, however the output from this modeling did not meet the statistical confidence thresholds required to predict the impact of this variant on DYNC1H1 protein function. In summary, the available evidence is currently insufficient to determine the role of this variant in disease. Therefore, it has been classified as a Variant of Uncertain Significance.

NM_001376.5(DYNC1H1):c.6068C>T (p.Ala2023Val)

Gene: DYNC1H1 (dynein cytoplasmic 1 heavy chain 1; plus strand). Cytogenetic location: 14q32.31.
Variant type: single nucleotide variant.
Coding change: c.6068C>T on transcript NM_001376.5 (MANE Select); coding-DNA position 6068, C replaced by T.
Protein change: p.Ala2023Val; replaces alanine 2023 with valine.
Molecular consequence: missense variant.
Genome position (GRCh38, 1-based): chr14:102,009,933, C>T. VCF-style: chr14-102009933-C-T. GRCh37 (hg19) VCF-style: chr14-102476270-C-T.
Other names: short protein forms A2023V.
Identifiers: ClinVar variation 1944277 (VCV001944277.5), dbSNP rs939689573, ClinGen allele CA267002584.